The following is an entry in ClinVar:

ClinVar aggregate classification (germline): Likely benign. Review status: criteria provided, multiple submitters, no conflicts (2 of 4 stars). 2 submissions from 2 submitters: Likely benign (2). Last evaluated 2024-05-07.

Allele frequency attached by ClinVar (database versions not stated): gnomAD 0.00005; gnomAD exomes 0.00005; TOPMed 0.00005; ExAC 0.00006; ESP Exome Variant Server 0.00008.
gnomAD v4.1: 75 of 1,613,408 alleles (0.0046%); highest among the groups gnomAD compares: Middle Eastern, 0.033%; no homozygotes.

Submissions (2):

Blueprint Genetics
Classification: Likely benign. Last evaluated: 2024-05-07. Review status: criteria provided, single submitter. Criteria: ACMG Guidelines, 2015. Collection method: clinical testing. Allele origin: germline.

CeGaT Center for Human Genetics Tuebingen
Classification: Likely benign. Last evaluated: 2023-02-01. Review status: criteria provided, single submitter. Criteria: CeGaT Center For Human Genetics Tuebingen Variant Classification Criteria Version 2. Collection method: clinical testing. Allele origin: germline. Affected: yes. Observed: 1 variant allele.
Comment: TMEM94: BP4, BP7

NM_014738.6(TMEM94):c.2928C>T (p.Thr976=)

Gene: TMEM94 (transmembrane protein 94; plus strand). Cytogenetic location: 17q25.1.
Variant type: single nucleotide variant.
Coding change: c.2928C>T on transcript NM_014738.6 (MANE Select); coding-DNA position 2928, C replaced by T.
Protein change: p.Thr976=; no amino-acid change (threonine 976 retained).
Molecular consequence: synonymous variant.
Genome position (GRCh38, 1-based): chr17:75,495,627, C>T. VCF-style: chr17-75495627-C-T. GRCh37 (hg19) VCF-style: chr17-73491708-C-T.
Other names: c.2958C>T, p.Thr986= (NM_001321148.2); c.2940C>T, p.Thr980= (NM_001321149.2); c.2880C>T, p.Thr960= (NM_001351202.2); c.2955C>T, p.Thr985= (NM_001351203.2).
Identifiers: ClinVar variation 2648260 (VCV002648260.25), dbSNP rs377381836, ClinGen allele CA8762306.